The following is an entry in ClinVar:

NM_005228.5(EGFR):c.3101T>G (p.Leu1034Arg)

Gene: EGFR (epidermal growth factor receptor; plus strand). Cytogenetic location: 7p11.2.
Variant type: single nucleotide variant.
Coding change: c.3101T>G on transcript NM_005228.5 (MANE Select); coding-DNA position 3101, T replaced by G.
Protein change: p.Leu1034Arg; replaces leucine 1034 with arginine.
Molecular consequence: missense variant.
Genome position (GRCh38, 1-based): chr7:55,201,342, T>G. VCF-style: chr7-55201342-T-G. GRCh37 (hg19) VCF-style: chr7-55269035-T-G.
Other names: c.2966T>G, p.Leu989Arg (NM_001346897.2, NM_001346899.2); c.3101T>G, p.Leu1034Arg (NM_001346898.2); c.2942T>G, p.Leu981Arg (NM_001346900.2); c.2300T>G, p.Leu767Arg (NM_001346941.2); short protein forms L1034R, L981R, L767R, L989R.
Identifiers: ClinVar variation 2821356 (VCV002821356.3), dbSNP rs34352568, ClinGen allele CA158937919.

ClinVar aggregate classification (germline): Uncertain significance (1 of 4 stars; one submission).

Conditions:
EGFR-related lung cancer (EGFR). Identifiers: MedGen CN130014.

gnomAD v4.1: 1 of 1,614,142 alleles (0.000062%); highest among the groups gnomAD compares: East Asian, 0.0022%; no homozygotes.

Submission:

Labcorp Genetics (formerly Invitae), Labcorp
Classification: Uncertain significance for EGFR-related lung cancer. Last evaluated: 2022-12-16. Review status: criteria provided, single submitter. Criteria: Invitae Variant Classification Sherloc (09022015). Collection method: clinical testing. Allele origin: germline.
Comment: This sequence change replaces leucine, which is neutral and non-polar, with arginine, which is basic and polar, at codon 1034 of the EGFR protein (p.Leu1034Arg). This variant is present in population databases (rs34352568, gnomAD 0.006%). This variant has not been reported in the literature in individuals affected with EGFR-related conditions. Algorithms developed to predict the effect of missense changes on protein structure and function are either unavailable or do not agree on the potential impact of this missense change (SIFT: "Tolerated"; PolyPhen-2: "Probably Damaging"; Align-GVGD: "Class C0"). In summary, the available evidence is currently insufficient to determine the role of this variant in disease. Therefore, it has been classified as a Variant of Uncertain Significance.